The following is an entry in ClinVar:

ClinVar aggregate classification (germline): Uncertain significance (1 of 4 stars; one submission).

Allele frequency attached by ClinVar (database versions not stated): TOPMed below 0.00001; gnomAD 0.00001; gnomAD exomes below 0.00001.
gnomAD v4.1: 2 of 1,613,274 alleles (0.00012%); highest among the groups gnomAD compares: Non-Finnish European, 0.00017%; no homozygotes.

Submission:

Labcorp Genetics (formerly Invitae), Labcorp
Classification: Uncertain significance. Last evaluated: 2022-07-20. Review status: criteria provided, single submitter. Criteria: Invitae Variant Classification Sherloc (09022015). Collection method: clinical testing. Allele origin: germline.
Comment: In summary, the available evidence is currently insufficient to determine the role of this variant in disease. Therefore, it has been classified as a Variant of Uncertain Significance. Algorithms developed to predict the effect of missense changes on protein structure and function are either unavailable or do not agree on the potential impact of this missense change (SIFT: "Not Available"; PolyPhen-2: "Probably Damaging"; Align-GVGD: "Not Available"). This variant has not been reported in the literature in individuals affected with PIK3C2A-related conditions. This variant is not present in population databases (gnomAD no frequency). This sequence change replaces aspartic acid, which is acidic and polar, with tyrosine, which is neutral and polar, at codon 1591 of the PIK3C2A protein (p.Asp1591Tyr).

NM_002645.4(PIK3C2A):c.4771G>T (p.Asp1591Tyr)

Gene: PIK3C2A (phosphatidylinositol-4-phosphate 3-kinase catalytic subunit type 2 alpha; minus strand). Cytogenetic location: 11p15.1.
Variant type: single nucleotide variant.
Coding change: c.4771G>T on transcript NM_002645.4 (MANE Select); coding-DNA position 4771, G replaced by T.
Protein change: p.Asp1591Tyr; replaces aspartic acid 1591 with tyrosine.
Molecular consequence: missense variant.
Genome position (GRCh38, 1-based): chr11:17,091,441, C>A on the plus strand (G>T on the coding strand, the complement: PIK3C2A is on the minus strand). VCF-style: chr11-17091441-C-A. GRCh37 (hg19) VCF-style: chr11-17112988-C-A.
Other names: c.4771G>T, p.Asp1591Tyr (NM_001321378.2); c.3631G>T, p.Asp1211Tyr (NM_001321380.2); c.4603G>T, p.Asp1535Tyr (NM_001386870.1); short protein forms D1211Y, D1535Y, D1591Y.
Identifiers: ClinVar variation 1720994 (VCV001720994.5), dbSNP rs1176956529, ClinGen allele CA379756664.